The following is an entry in ClinVar:

NM_002202.3(ISL1):c.317G>A (p.Arg106His)

Gene: ISL1 (ISL LIM homeobox 1; plus strand). Cytogenetic location: 5q11.1.
Variant type: single nucleotide variant.
Coding change: c.317G>A on transcript NM_002202.3 (MANE Select); coding-DNA position 317, G replaced by A.
Protein change: p.Arg106His; replaces arginine 106 with histidine.
Molecular consequence: missense variant.
Genome position (GRCh38, 1-based): chr5:51,387,588, G>A. VCF-style: chr5-51387588-G-A. GRCh37 (hg19) VCF-style: chr5-50683422-G-A.
Other names: short protein forms R106H.
Identifiers: ClinVar variation 3354455 (VCV003354455.1).
Genomic context (GRCh38, chr5:51,387,588, plus strand): 5'-TCAGCAAGAACGACTTCGTGATGCGTGCCCGCTCCAAGGTGTATCACATCGAGTGTTTCC[G>A]CTGTGTGGCCTGCAGCCGCCAGCTCATCCCTGGGGACGAATTTGCGCTTCGGGAGGACGG-3'
Protein context (NP_002193.2, residues 96-116): RSKVYHIECF[Arg106His]CVACSRQLIP

ClinVar aggregate classification (germline): Uncertain significance (0 of 4 stars; one submission).

Conditions:
ISL1-related disorder. Also called: ISL1-related condition.

Submission:

PreventionGenetics, part of Exact Sciences
Classification: Uncertain significance for ISL1-related condition. Last evaluated: 2024-05-07. Review status: no assertion criteria provided. Collection method: clinical testing. Allele origin: germline.
Comment: The ISL1 c.317G>A variant is predicted to result in the amino acid substitution p.Arg106His. To our knowledge, this variant has not been reported in the literature. This variant is reported in 0.0029% of alleles in individuals of Latino descent in gnomAD. At this time, the clinical significance of this variant is uncertain due to the absence of conclusive functional and genetic evidence.